The following is an entry in ClinVar:

NM_001079843.3(CASZ1):c.2854T>A (p.Ser952Thr)

Gene: CASZ1 (castor zinc finger 1; minus strand). Cytogenetic location: 1p36.22.
Variant type: single nucleotide variant.
Coding change: c.2854T>A on transcript NM_001079843.3 (MANE Select); coding-DNA position 2854, T replaced by A.
Protein change: p.Ser952Thr; replaces serine 952 with threonine.
Molecular consequence: missense variant.
Genome position (GRCh38, 1-based): chr1:10,650,718, A>T on the plus strand (T>A on the coding strand, the complement: CASZ1 is on the minus strand). VCF-style: chr1-10650718-A-T. GRCh37 (hg19) VCF-style: chr1-10710775-A-T.
Other names: c.2854T>A, p.Ser952Thr (NM_017766.5); short protein forms S952T.
Identifiers: ClinVar variation 4954757 (VCV004954757.2).

ClinVar aggregate classification (germline): Likely benign. Review status: criteria provided, multiple submitters, no conflicts (2 of 4 stars). 2 submissions from 2 submitters: Likely benign (2). Last evaluated 2026-07-01.

gnomAD v4.1: 245 of 1,614,138 alleles (0.015%); highest among the groups gnomAD compares: South Asian, 0.26%; 2 homozygotes.

Submissions (2):

CeGaT Center for Human Genetics Tuebingen
Classification: Likely benign. Last evaluated: 2026-07-01. Review status: criteria provided, single submitter. Criteria: CeGaT Center For Human Genetics Tuebingen Variant Classification Criteria Version 2. Collection method: clinical testing. Allele origin: germline. Affected: yes. Observed: 1 variant allele.
Comment: CASZ1: BS2

Blueprint Genetics
Classification: Likely benign. Last evaluated: 2024-03-18. Review status: criteria provided, single submitter. Criteria: ACMG Guidelines, 2015. Collection method: clinical testing. Allele origin: germline.